The following is an entry in ClinVar:

ClinVar aggregate classification (germline): Pathogenic (1 of 4 stars; one submission).

Conditions:
Leigh syndrome (NULS). Also called: LEIGH SYNDROME, NUCLEAR; Leigh Disease; Subacute necrotizing encephalopathy; Necrotizing encephalopathy infantile subacute of Leigh; Leigh's syndrome; Leigh's necrotizing encephalopathy. Identifiers: Orphanet 506, MedGen C2931891, MONDO:0009723, OMIM 256000.

Submission:

Labcorp Genetics (formerly Invitae), Labcorp
Classification: Pathogenic for Leigh syndrome. Last evaluated: 2023-12-20. Review status: criteria provided, single submitter. Criteria: Invitae Variant Classification Sherloc (09022015). Collection method: clinical testing. Allele origin: germline.
Comment: This sequence change creates a premature translational stop signal (p.Lys121*) in the SURF1 gene. It is expected to result in an absent or disrupted protein product. Loss-of-function variants in SURF1 are known to be pathogenic (PMID: 10443880, 22488715, 24027061). This variant is not present in population databases (gnomAD no frequency). This variant has not been reported in the literature in individuals affected with SURF1-related conditions. Algorithms developed to predict the effect of sequence changes on RNA splicing suggest that this variant may disrupt the consensus splice site. For these reasons, this variant has been classified as Pathogenic.

Literature cited by the submitters: PubMed 10443880; PubMed 22488715; PubMed 24027061.

NM_003172.4(SURF1):c.361A>T (p.Lys121Ter)

Gene: SURF1 (SURF1 cytochrome c oxidase assembly factor; minus strand). Cytogenetic location: 9q34.2.
Variant type: single nucleotide variant.
Coding change: c.361A>T on transcript NM_003172.4 (MANE Select); coding-DNA position 361, A replaced by T.
Protein change: p.Lys121Ter; replaces lysine 121 with a stop codon.
Molecular consequence: nonsense.
Genome position (GRCh38, 1-based): chr9:133,353,903, T>A on the plus strand (A>T on the coding strand, the complement: SURF1 is on the minus strand). VCF-style: chr9-133353903-T-A. GRCh37 (hg19) VCF-style: chr9-136220758-T-A.
Other names: c.34A>T, p.Lys12Ter (NM_001280787.1); short protein forms K121*, K12*.
Identifiers: ClinVar variation 2791012 (VCV002791012.3), dbSNP rs2490620007, ClinGen allele CA375694441.